The following is an entry in ClinVar:

ClinVar aggregate classification (germline): Uncertain significance (1 of 4 stars; one submission).

Submission:

Labcorp Genetics (formerly Invitae), Labcorp
Classification: Uncertain significance. Last evaluated: 2025-05-13. Review status: criteria provided, single submitter. Criteria: Invitae Variant Classification Sherloc (09022015). Collection method: clinical testing. Allele origin: germline.
Comment: This sequence change replaces asparagine, which is neutral and polar, with aspartic acid, which is acidic and polar, at codon 34 of the HOXA13 protein (p.Asn34Asp). The frequency data for this variant in the population databases is considered unreliable, as metrics indicate poor data quality at this position in the gnomAD database. This variant has not been reported in the literature in individuals affected with HOXA13-related conditions. Invitae Evidence Modeling of protein sequence and biophysical properties (such as structural, functional, and spatial information, amino acid conservation, physicochemical variation, residue mobility, and thermodynamic stability) indicates that this missense variant is not expected to disrupt HOXA13 protein function with a negative predictive value of 80%. In summary, the available evidence is currently insufficient to determine the role of this variant in disease. Therefore, it has been classified as a Variant of Uncertain Significance.

NM_000522.5(HOXA13):c.100A>G (p.Asn34Asp)

Genes: HOXA13 (homeobox A13; minus strand), LOC107126288 (NUP98-HOXA13 recombination region; plus strand). Cytogenetic location: 7p15.2.
Variant type: single nucleotide variant.
Coding change: c.100A>G on transcript NM_000522.5 (MANE Select); coding-DNA position 100, A replaced by G.
Protein change: p.Asn34Asp; replaces asparagine 34 with aspartic acid.
Molecular consequence: missense variant.
Genome position (GRCh38, 1-based): chr7:27,199,978, T>C on the plus strand (A>G on the coding strand, the complement: HOXA13 is on the minus strand). VCF-style: chr7-27199978-T-C. GRCh37 (hg19) VCF-style: chr7-27239597-T-C.
Other names: short protein forms N34D.
Identifiers: ClinVar variation 4774039 (VCV004774039.1).